The following is an entry in ClinVar:

NM_001128205.2(SULF1):c.1304T>C (p.Leu435Ser)

Gene: SULF1 (sulfatase 1; plus strand). Cytogenetic location: 8q13.3.
Variant type: single nucleotide variant.
Coding change: c.1304T>C on transcript NM_001128205.2 (MANE Select); coding-DNA position 1304, T replaced by C.
Protein change: p.Leu435Ser; replaces leucine 435 with serine.
Molecular consequence: missense variant. On other transcripts: 5 prime UTR variant (1), non-coding transcript variant (7).
Genome position (GRCh38, 1-based): chr8:69,604,859, T>C. VCF-style: chr8-69604859-T-C. GRCh37 (hg19) VCF-style: chr8-70517094-T-C.
Other names: c.1304T>C, p.Leu435Ser (NM_001128204.2, NM_001128206.2, NM_001412828.1 and 9 more transcripts); c.1175T>C, p.Leu392Ser (NM_001412832.1, NM_001412838.1, NM_001412839.1 and 1 more transcripts); c.1247T>C, p.Leu416Ser (NM_001412836.1, NM_001412837.1); c.1118T>C, p.Leu373Ser (NM_001412841.1, NM_001412842.1); c.704T>C, p.Leu235Ser (NM_001412844.1, NM_001412845.1); c.-488T>C (NM_001412846.1); short protein forms L235S, L373S, L435S, L392S, L416S.
Identifiers: ClinVar variation 3702445 (VCV003702445.2).
Genomic context (GRCh38, chr8:69,604,859, plus strand): 5'-GAAGCAAATTTCTACGTAAGAAGGAAGAATCCAGCAAGAATATCCAACAGTCAAATCACT[T>C]GCCCAAATATGAACGGGTCAAAGAACTATGCCAGCAGGCCAGGTACCAGACAGCCTGTGA-3'
Protein context (NP_001121677.1, residues 425-445): SSKNIQQSNH[Leu435Ser]PKYERVKELC

ClinVar aggregate classification (germline): Uncertain significance (1 of 4 stars; one submission).

Submission:

Labcorp Genetics (formerly Invitae), Labcorp
Classification: Uncertain significance. Last evaluated: 2024-11-27. Review status: criteria provided, single submitter. Criteria: Invitae Variant Classification Sherloc (09022015). Collection method: clinical testing. Allele origin: germline.
Comment: This sequence change replaces leucine, which is neutral and non-polar, with serine, which is neutral and polar, at codon 435 of the SULF1 protein (p.Leu435Ser). This variant is not present in population databases (gnomAD no frequency). This variant has not been reported in the literature in individuals affected with SULF1-related conditions. An algorithm developed to predict the effect of missense changes on protein structure and function (PolyPhen-2) suggests that this variant is likely to be disruptive. In summary, the available evidence is currently insufficient to determine the role of this variant in disease. Therefore, it has been classified as a Variant of Uncertain Significance.